The following is an entry in ClinVar:

ClinVar aggregate classification (germline): Uncertain significance (1 of 4 stars; one submission).

Conditions:
MOGS-congenital disorder of glycosylation. Also called: CDG IIb; GLUCOSIDASE I DEFICIENCY; CDG 2B; MOGS-CDG. Identifiers: Orphanet 79330, MedGen C1853736, MONDO:0011629, OMIM 606056.

Allele frequency attached by ClinVar (database versions not stated): ExAC 0.00001; gnomAD 0.00001; gnomAD exomes 0.00001; TOPMed 0.00001.
gnomAD v4.1: 10 of 1,610,042 alleles (0.00062%); highest among the groups gnomAD compares: South Asian, 0.0011%; no homozygotes.

Submission:

Labcorp Genetics (formerly Invitae), Labcorp
Classification: Uncertain significance for MOGS-congenital disorder of glycosylation. Last evaluated: 2022-11-01. Review status: criteria provided, single submitter. Criteria: Invitae Variant Classification Sherloc (09022015). Collection method: clinical testing. Allele origin: germline.
Comment: This sequence change replaces glycine, which is neutral and non-polar, with arginine, which is basic and polar, at codon 416 of the MOGS protein (p.Gly416Arg). This variant is present in population databases (rs751395514, gnomAD 0.003%). This variant has not been reported in the literature in individuals affected with MOGS-related conditions. ClinVar contains an entry for this variant (Variation ID: 1061161). Algorithms developed to predict the effect of missense changes on protein structure and function (SIFT, PolyPhen-2, Align-GVGD) all suggest that this variant is likely to be tolerated. In summary, the available evidence is currently insufficient to determine the role of this variant in disease. Therefore, it has been classified as a Variant of Uncertain Significance.

NM_006302.3(MOGS):c.1246G>A (p.Gly416Arg)

Gene: MOGS (mannosyl-oligosaccharide glucosidase; minus strand). Cytogenetic location: 2p13.1.
Variant type: single nucleotide variant.
Coding change: c.1246G>A on transcript NM_006302.3 (MANE Select); coding-DNA position 1246, G replaced by A.
Protein change: p.Gly416Arg; replaces glycine 416 with arginine.
Molecular consequence: missense variant.
Genome position (GRCh38, 1-based): chr2:74,462,543, C>T on the plus strand (G>A on the coding strand, the complement: MOGS is on the minus strand). VCF-style: chr2-74462543-C-T. GRCh37 (hg19) VCF-style: chr2-74689670-C-T.
Other names: c.928G>A, p.Gly310Arg (NM_001146158.2); short protein forms G310R, G416R.
Identifiers: ClinVar variation 1061161 (VCV001061161.9), dbSNP rs751395514, ClinGen allele CA1724818.